The following is an entry in ClinVar:

ClinVar aggregate classification (germline): Likely benign (1 of 4 stars; one submission).

Allele frequency attached by ClinVar (database versions not stated): gnomAD exomes below 0.00001.
gnomAD v4.1: 3 of 1,140,374 alleles (0.00026%); highest among the groups gnomAD compares: Non-Finnish European, 0.00035%; no homozygotes.

Submission:

GeneDx
Classification: Likely benign. Last evaluated: 2016-09-12. Review status: criteria provided, single submitter. Criteria: GeneDx Variant Classification (06012015). Collection method: clinical testing. Allele origin: germline. Affected: yes.
Comment: This variant is considered likely benign or benign based on one or more of the following criteria: it is a conservative change, it occurs at a poorly conserved position in the protein, it is predicted to be benign by multiple in silico algorithms, and/or has population frequency not consistent with disease.

NM_000116.5(TAFAZZIN):c.-37C>T

Genes: DNASE1L1 (deoxyribonuclease 1 like 1; minus strand), TAFAZZIN (tafazzin, phospholipid-lysophospholipid transacylase; plus strand), LOC130068869 (ATAC-STARR-seq lymphoblastoid silent region 21101; plus strand). Cytogenetic location: Xq28.
Variant type: single nucleotide variant.
Coding change: c.-37C>T on transcript NM_000116.5 (MANE Select); 37 bases upstream of the start codon, C replaced by T.
Molecular consequence: 5 prime UTR variant. On other transcripts: non-coding transcript variant (1), intron variant (3).
Genome position (GRCh38, 1-based): chrX:154,411,807, C>T. VCF-style: chrX-154411807-C-T. GRCh37 (hg19) VCF-style: chrX-153640144-C-T.
Other names: c.-37C>T (NM_001303465.2, NM_001410698.1, NM_001440856.1 and 5 more transcripts); c.-88+84G>A (NM_001009934.3); c.-173+84G>A (NM_001009933.3); c.-431+84G>A (NM_001009932.3).
Identifiers: ClinVar variation 389298 (VCV000389298.3), dbSNP rs1057523394, ClinGen allele CA16608841.